The following is an entry in ClinVar:

NM_007289.4(MME):c.516A>T (p.Glu172Asp)

Gene: MME (membrane metalloendopeptidase; plus strand). Cytogenetic location: 3q25.2.
Variant type: single nucleotide variant.
Coding change: c.516A>T on transcript NM_007289.4 (MANE Select); coding-DNA position 516, A replaced by T.
Protein change: p.Glu172Asp; replaces glutamic acid 172 with aspartic acid.
Molecular consequence: missense variant.
Genome position (GRCh38, 1-based): chr3:155,116,740, A>T. VCF-style: chr3-155116740-A-T. GRCh37 (hg19) VCF-style: chr3-154834529-A-T.
Other names: chr3-155116740-A-T; p.Glu172Asp; c.516A>T, p.Glu172Asp (NM_000902.5, NM_001354642.2, NM_001354643.1 and 2 more transcripts); short protein forms E172D.
Identifiers: ClinVar variation 521759 (VCV000521759.27), dbSNP rs201333758, ClinGen allele CA2675186.

ClinVar aggregate classification (germline): Uncertain significance. Review status: criteria provided, multiple submitters, no conflicts (2 of 4 stars). 3 submissions from 3 submitters: Uncertain significance (3). Last evaluated 2022-10-18.

Conditions:
Inborn genetic diseases. Identifiers: MedGen C0950123, MeSH D030342.
Charcot-Marie-Tooth disease axonal type 2T. Identifiers: Orphanet 443950, MedGen C4015635, OMIM 617017, MONDO:0014866.

Allele frequency attached by ClinVar (database versions not stated): gnomAD 0.00001; ExAC 0.00003; gnomAD exomes 0.00004; TOPMed 0.00004; ESP Exome Variant Server 0.00008.
gnomAD v4.1: 47 of 1,613,516 alleles (0.0029%); highest among the groups gnomAD compares: Non-Finnish European, 0.0038%; no homozygotes.

Submissions (3):

Labcorp Genetics (formerly Invitae), Labcorp
Classification: Uncertain significance. Last evaluated: 2022-10-18. Review status: criteria provided, single submitter. Criteria: Invitae Variant Classification Sherloc (09022015). Collection method: clinical testing. Allele origin: germline.
Comment: This sequence change replaces glutamic acid, which is acidic and polar, with aspartic acid, which is acidic and polar, at codon 172 of the MME protein (p.Glu172Asp). This variant is present in population databases (rs201333758, gnomAD 0.01%). This variant has not been reported in the literature in individuals affected with MME-related conditions. ClinVar contains an entry for this variant (Variation ID: 521759). Algorithms developed to predict the effect of missense changes on protein structure and function output the following: SIFT: "Tolerated"; PolyPhen-2: "Benign"; Align-GVGD: "Class C0". The aspartic acid amino acid residue is found in multiple mammalian species, which suggests that this missense change does not adversely affect protein function. In summary, the available evidence is currently insufficient to determine the role of this variant in disease. Therefore, it has been classified as a Variant of Uncertain Significance.

Laboratório de Neurologia Aplicada e Experimental, Faculdade de Medicina de Ribeirao Preto – Universidade de Sao Paulo
Classification: Uncertain significance for Charcot-Marie-Tooth disease axonal type 2T. Last evaluated: 2021-07-20. Review status: criteria provided, single submitter. Criteria: ACMG Guidelines, 2015. Collection method: research. Allele origin: germline. Inheritance: Autosomal dominant inheritance. Affected: yes. Observed: 1 variant allele, 1 heterozygote.
Comment: The c.516A>T (p.Glu172Asp) variant in the MME gene has not been described in the literature to our knowledge. This variant replaces Glutamic acid with Aspartic acid at codon 172 of the MME protein that is highly conserved across different species. This variant is present in the gnomAD population database (rs201333758; 0.04e-3) at a low frequency, but absent from the ABraOM population database, suggesting it is not a common benign variant in these populations. ClinVar contains an entry for this variant (Variation ID: 521759), and it is classified as Uncertain significance, 1 star. In summary, the available evidence is insufficient to determine the clinical significance of this variant. Therefore, it has been classified as a variant of uncertain significance (VUS).

Ambry Genetics
Classification: Uncertain significance for Inborn genetic diseases. Last evaluated: 2017-06-02. Review status: criteria provided, single submitter. Criteria: Ambry exome assertion method (8-5-2015). Collection method: clinical testing. Allele origin: germline. Affected: yes. Observed: 1 variant allele.